The following is an entry in ClinVar:

NM_018426.3(TMEM63B):c.507C>T (p.Ser169=)

Gene: TMEM63B (transmembrane protein 63B; plus strand). Cytogenetic location: 6p21.1.
Variant type: single nucleotide variant.
Coding change: c.507C>T on transcript NM_018426.3 (MANE Select); coding-DNA position 507, C replaced by T.
Protein change: p.Ser169=; no amino-acid change (serine 169 retained).
Molecular consequence: synonymous variant.
Genome position (GRCh38, 1-based): chr6:44,139,566, C>T. VCF-style: chr6-44139566-C-T. GRCh37 (hg19) VCF-style: chr6-44107303-C-T.
Other names: c.507C>T, p.Ser169= (NM_001318792.1).
Identifiers: ClinVar variation 5041180 (VCV005041180.1).

ClinVar aggregate classification (germline): Likely benign (1 of 4 stars; one submission).

gnomAD v4.1: 19 of 1,614,120 alleles (0.0012%); highest among the groups gnomAD compares: East Asian, 0.0067%; no homozygotes.

Submission:

CeGaT Center for Human Genetics Tuebingen
Classification: Likely benign. Last evaluated: 2026-09-01. Review status: criteria provided, single submitter. Criteria: CeGaT Center For Human Genetics Tuebingen Variant Classification Criteria Version 2. Collection method: clinical testing. Allele origin: germline. Affected: yes. Observed: 1 variant allele.
Comment: TMEM63B: BP4, BP7